The following is an entry in ClinVar:

NM_001098.3(ACO2):c.685-3C>T

Gene: ACO2 (aconitase 2; plus strand). Cytogenetic location: 22q13.2.
Variant type: single nucleotide variant.
Coding change: c.685-3C>T on transcript NM_001098.3 (MANE Select); 3 bases into the intron before coding-DNA position 685, C replaced by T.
Molecular consequence: intron variant.
Genome position (GRCh38, 1-based): chr22:41,515,764, C>T. VCF-style: chr22-41515764-C-T. GRCh37 (hg19) VCF-style: chr22-41911768-C-T.
Identifiers: ClinVar variation 2181925 (VCV002181925.5), dbSNP rs1171864056, ClinGen allele CA639826600.

ClinVar aggregate classification (germline): Conflicting classifications of pathogenicity. Review status: criteria provided, conflicting classifications (1 of 4 stars). 2 submissions from 2 submitters: Uncertain significance (1); Likely benign (1). Last evaluated 2025-08-15.

Allele frequency attached by ClinVar (database versions not stated): gnomAD exomes below 0.00001; TOPMed below 0.00001; gnomAD 0.00001.
gnomAD v4.1: 4 of 1,613,134 alleles (0.00025%); highest among the groups gnomAD compares: African/African-American, 0.0013%; no homozygotes.

Submissions (2):

Labcorp Genetics (formerly Invitae), Labcorp
Classification: Uncertain significance. Last evaluated: 2025-08-15. Review status: criteria provided, single submitter. Criteria: Invitae Variant Classification Sherloc (09022015). Collection method: clinical testing. Allele origin: germline.
Comment: This sequence change falls in intron 5 of the ACO2 gene. It does not directly change the encoded amino acid sequence of the ACO2 protein. It affects a nucleotide within the consensus splice site. This variant is present in population databases (no rsID available, gnomAD 0.007%). This variant has not been reported in the literature in individuals affected with ACO2-related conditions. ClinVar contains an entry for this variant (Variation ID: 2181925). Variants that disrupt the consensus splice site are a relatively common cause of aberrant splicing (PMID: 17576681, 9536098). Algorithms developed to predict the effect of sequence changes on RNA splicing suggest that this variant is not likely to affect RNA splicing. In summary, the available evidence is currently insufficient to determine the role of this variant in disease. Therefore, it has been classified as a Variant of Uncertain Significance.

Blueprint Genetics
Classification: Likely benign. Last evaluated: 2024-08-02. Review status: criteria provided, single submitter. Criteria: ACMG Guidelines, 2015. Collection method: clinical testing. Allele origin: germline.

Literature cited by the submitters: PubMed 17576681 (cited by Labcorp Genetics (formerly Invitae), Labcorp); PubMed 9536098 (cited by Labcorp Genetics (formerly Invitae), Labcorp).